The following is an entry in ClinVar:

ClinVar aggregate classification (germline): Uncertain significance (1 of 4 stars; one submission).

Conditions:
LAMA2-related muscular dystrophy (LAMA2-RD). Also called: Laminin alpha 2-related dystrophy. Identifiers: MedGen C5679788, MONDO:0100228.

Submission:

Labcorp Genetics (formerly Invitae), Labcorp
Classification: Uncertain significance for LAMA2-related muscular dystrophy. Last evaluated: 2022-06-25. Review status: criteria provided, single submitter. Criteria: Invitae Variant Classification Sherloc (09022015). Collection method: clinical testing. Allele origin: germline.
Comment: This sequence change falls in intron 2 of the LAMA2 gene. It does not directly change the encoded amino acid sequence of the LAMA2 protein. It affects a nucleotide within the consensus splice site. This variant is not present in population databases (gnomAD no frequency). This variant has not been reported in the literature in individuals affected with LAMA2-related conditions. ClinVar contains an entry for this variant (Variation ID: 543849). Variants that disrupt the consensus splice site are a relatively common cause of aberrant splicing (PMID: 17576681, 9536098). Algorithms developed to predict the effect of sequence changes on RNA splicing suggest that this variant may disrupt the consensus splice site. In summary, the available evidence is currently insufficient to determine the role of this variant in disease. Therefore, it has been classified as a Variant of Uncertain Significance.

Literature cited by the submitters: PubMed 17576681; PubMed 9536098.

NM_000426.4(LAMA2):c.284-3_284-2del

Gene: LAMA2 (laminin subunit alpha 2; plus strand). Cytogenetic location: 6q22.33.
Variant type: Deletion.
Coding change: c.284-3_284-2del on transcript NM_000426.4 (MANE Select); 3 bases into the intron before coding-DNA position 284 through the canonical splice acceptor site of the intron before coding-DNA position 284, 2 bases deleted (TA; older notation c.284-3_284-2delTA).
Molecular consequence: splice acceptor variant.
Genome position (GRCh38, 1-based): chr6:129,059,781-129,059,782, TA deleted; deleting any 2 consecutive bases within chr6:129,059,780-129,059,782 gives the same sequence; the c. name uses the placement nearest the transcript's 3' end. VCF-style (leftmost placement, unchanged base first): chr6-129059779-AAT-A. GRCh37 (hg19) VCF-style: chr6-129380924-AAT-A.
Other names: c.284-3_284-2del (NM_001079823.2); c.284-3_284-2delTA (NM_000426.3).
Identifiers: ClinVar variation 543849 (VCV000543849.6), dbSNP rs1554208701, ClinGen allele CA658796821.